The following is an entry in ClinVar:

ClinVar aggregate classification (germline): Uncertain significance. Review status: criteria provided, multiple submitters, no conflicts (2 of 4 stars). 3 submissions from 3 submitters: Uncertain significance (3). Last evaluated 2026-03-25.

Conditions:
Gastrointestinal stromal tumor. Also called: Gastrointestinal stromal tumor, somatic; Gastrointestinal stroma tumor. Identifiers: Orphanet 44890, MedGen C0238198, MeSH D046152, MONDO:0011719, OMIM 606764, HP:0100723.
Hereditary cancer-predisposing syndrome. Also called: Tumor predisposition; Neoplastic Syndromes, Hereditary; Hereditary neoplastic syndrome; Hereditary Cancer Syndrome. Identifiers: Orphanet 140162, MedGen C0027672, MeSH D009386, MONDO:0015356.

Allele frequency attached by ClinVar (database versions not stated): ExAC 0.00001; gnomAD exomes 0.00001.
gnomAD v4.1: 2 of 1,613,692 alleles (0.00012%); highest among the groups gnomAD compares: Non-Finnish European, 0.000085%; no homozygotes.

Submissions (3):

Ambry Genetics
Classification: Uncertain significance for Hereditary cancer-predisposing syndrome. Last evaluated: 2026-03-25. Review status: criteria provided, single submitter. Criteria: Ambry Variant Classification Scheme 2023. Collection method: clinical testing. Allele origin: germline.
Comment: The p.Y703C variant (also known as c.2108A>G), located in coding exon 14 of the KIT gene, results from an A to G substitution at nucleotide position 2108. The tyrosine at codon 703 is replaced by cysteine, an amino acid with highly dissimilar properties. This amino acid position is highly conserved in available vertebrate species. In addition, the in silico prediction for this alteration is inconclusive. Based on the available evidence, the clinical significance of this variant remains unclear.

GeneDx
Classification: Uncertain significance. Last evaluated: 2022-06-30. Review status: criteria provided, single submitter. Criteria: GeneDx Variant Classification Process June 2021. Collection method: clinical testing. Allele origin: germline. Affected: yes.
Comment: Not observed at significant frequency in large population cohorts (gnomAD); In silico analysis supports that this missense variant has a deleterious effect on protein structure/function; Has not been previously published as pathogenic or benign to our knowledge

Labcorp Genetics (formerly Invitae), Labcorp
Classification: Uncertain significance for Gastrointestinal stromal tumor. Last evaluated: 2020-07-08. Review status: criteria provided, single submitter. Criteria: Invitae Variant Classification Sherloc (09022015). Collection method: clinical testing. Allele origin: germline.
Comment: This sequence change replaces tyrosine with cysteine at codon 703 of the KIT protein (p.Tyr703Cys). The tyrosine residue is highly conserved and there is a large physicochemical difference between tyrosine and cysteine. In summary, the available evidence is currently insufficient to determine the role of this variant in disease. Therefore, it has been classified as a Variant of Uncertain Significance. Algorithms developed to predict the effect of sequence changes on RNA splicing suggest that this variant may create or strengthen a splice site, but this prediction has not been confirmed by published transcriptional studies. Algorithms developed to predict the effect of missense changes on protein structure and function (SIFT, PolyPhen-2, Align-GVGD) all suggest that this variant is likely to be disruptive, but these predictions have not been confirmed by published functional studies and their clinical significance is uncertain. This variant has not been reported in the literature in individuals with KIT-related conditions. This variant is present in population databases (rs771012963, ExAC 0.002%).

NM_000222.3(KIT):c.2108A>G (p.Tyr703Cys)

Gene: KIT (KIT proto-oncogene, receptor tyrosine kinase; plus strand). Cytogenetic location: 4q12.
Variant type: single nucleotide variant.
Coding change: c.2108A>G on transcript NM_000222.3 (MANE Select); coding-DNA position 2108, A replaced by G.
Protein change: p.Tyr703Cys; replaces tyrosine 703 with cysteine.
Molecular consequence: missense variant.
Genome position (GRCh38, 1-based): chr4:54,729,452, A>G. VCF-style: chr4-54729452-A-G. GRCh37 (hg19) VCF-style: chr4-55595618-A-G.
Other names: c.2096A>G, p.Tyr699Cys (NM_001093772.2, NM_001385286.1); c.2111A>G, p.Tyr704Cys (NM_001385284.1, NM_001385290.1); c.2108A>G, p.Tyr703Cys (NM_001385285.1); c.2099A>G, p.Tyr700Cys (NM_001385288.1, NM_001385292.1); short protein forms Y699C, Y700C, Y703C, Y704C.
Identifiers: ClinVar variation 1061327 (VCV001061327.9), dbSNP rs771012963, ClinGen allele CA2923649.